The following is an entry in ClinVar:

ClinVar aggregate classification (germline): Likely benign. Review status: criteria provided, multiple submitters, no conflicts (2 of 4 stars). 3 submissions from 3 submitters: Likely benign (2). 1 of the submissions does not count toward it. Last evaluated 2026-01-27.

Conditions:
POLE-related disorder. Also called: POLE-related condition; POLE-related disorders.
Hereditary cancer-predisposing syndrome. Also called: Neoplastic Syndromes, Hereditary; Tumor predisposition; Hereditary Cancer Syndrome; Hereditary neoplastic syndrome. Identifiers: Orphanet 140162, MedGen C0027672, MeSH D009386, MONDO:0015356.

Submissions (3):

Labcorp Genetics (formerly Invitae), Labcorp
Classification: Likely benign. Last evaluated: 2026-01-27. Review status: criteria provided, single submitter. Criteria: Invitae Variant Classification Sherloc (09022015). Collection method: clinical testing. Allele origin: germline.

Ambry Genetics
Classification: Likely benign for Hereditary cancer-predisposing syndrome. Last evaluated: 2017-05-02. Review status: criteria provided, single submitter. Criteria: Ambry Variant Classification Scheme 2023. Collection method: clinical testing. Allele origin: germline.

PreventionGenetics, part of Exact Sciences
Classification: Likely benign for POLE-related condition. Last evaluated: 2019-12-19. Review status: no assertion criteria provided. Collection method: clinical testing. Allele origin: germline. Not counted in ClinVar's aggregate classification.
Comment: This variant is classified as likely benign based on ACMG/AMP sequence variant interpretation guidelines (Richards et al. 2015 PMID: 25741868, with internal and published modifications).

NM_006231.4(POLE):c.4857T>C (p.Tyr1619=)

Gene: POLE (DNA polymerase epsilon, catalytic subunit; minus strand). Cytogenetic location: 12q24.33.
Variant type: single nucleotide variant.
Coding change: c.4857T>C on transcript NM_006231.4 (MANE Select); coding-DNA position 4857, T replaced by C.
Protein change: p.Tyr1619=; no amino-acid change (tyrosine 1619 retained).
Molecular consequence: synonymous variant.
Genome position (GRCh38, 1-based): chr12:132,642,601, A>G on the plus strand (T>C on the coding strand, the complement: POLE is on the minus strand). VCF-style: chr12-132642601-A-G. GRCh37 (hg19) VCF-style: chr12-133219187-A-G.
Identifiers: ClinVar variation 413595 (VCV000413595.16), dbSNP rs1060504075, ClinGen allele CA16613775.